The following is an entry in ClinVar:

ClinVar aggregate classification (germline): Uncertain significance. Review status: criteria provided, multiple submitters, no conflicts (2 of 4 stars). 2 submissions from 2 submitters: Uncertain significance (2). Last evaluated 2024-02-01.

Conditions:
Pierson syndrome. Also called: MICROCORIA-CONGENITAL NEPHROTIC SYNDROME. Identifiers: Orphanet 2670, MedGen C1836876, MONDO:0012184, OMIM 609049.
LAMB2-related infantile-onset nephrotic syndrome. Also called: NEPHROTIC SYNDROME, TYPE 5, WITHOUT OCULAR ABNORMALITIES; NEPHROTIC SYNDROME, TYPE 5, WITH OCULAR ABNORMALITIES; Nephrotic Syndrome, type 5. Identifiers: Orphanet 306507, MedGen C3280113, MONDO:0013621, OMIM 614199.

Allele frequency attached by ClinVar (database versions not stated): gnomAD 0.00001; gnomAD exomes 0.00002; TOPMed 0.00002.
gnomAD v4.1: 12 of 1,607,798 alleles (0.00075%); highest among the groups gnomAD compares: Non-Finnish European, 0.00085%; no homozygotes.

Submissions (2):

Fulgent Genetics
Classification: Uncertain significance for Pierson syndrome; LAMB2-related infantile-onset nephrotic syndrome. Last evaluated: 2024-02-01. Review status: criteria provided, single submitter. Criteria: ACMG Guidelines, 2015. Collection method: clinical testing. Allele origin: germline.

Labcorp Genetics (formerly Invitae), Labcorp
Classification: Uncertain significance for Nephrotic syndrome, type 5, with or without ocular abnormalities; Pierson syndrome. Last evaluated: 2019-06-03. Review status: criteria provided, single submitter. Criteria: Invitae Variant Classification Sherloc (09022015). Collection method: clinical testing. Allele origin: germline.
Comment: This sequence change falls in intron 11 of the LAMB2 gene. It does not directly change the encoded amino acid sequence of the LAMB2 protein, but it affects a nucleotide within the consensus splice site of the intron. This variant is not present in population databases (ExAC no frequency). This variant has not been reported in the literature in individuals with LAMB2-related conditions. Nucleotide substitutions within the consensus splice site are a relatively common cause of aberrant splicing (PMID: 17576681, 9536098). Algorithms developed to predict the effect of sequence changes on RNA splicing suggest that this variant may disrupt the consensus splice site, but this prediction has not been confirmed by published transcriptional studies. In summary, the available evidence is currently insufficient to determine the role of this variant in disease. Therefore, it has been classified as a Variant of Uncertain Significance.

NM_002292.4(LAMB2):c.1518+4C>T

Gene: LAMB2 (laminin subunit beta 2; minus strand). Cytogenetic location: 3p21.31.
Variant type: single nucleotide variant.
Coding change: c.1518+4C>T on transcript NM_002292.4 (MANE Select); 4 bases into the intron after coding-DNA position 1518, C replaced by T.
Molecular consequence: intron variant.
Genome position (GRCh38, 1-based): chr3:49,129,600, G>A on the plus strand (C>T on the coding strand, the complement: LAMB2 is on the minus strand). VCF-style: chr3-49129600-G-A. GRCh37 (hg19) VCF-style: chr3-49167033-G-A.
Identifiers: ClinVar variation 858826 (VCV000858826.3), dbSNP rs902115828, ClinGen allele CA74486461.